The following is an entry in ClinVar:

NM_138927.4(SON):c.2098T>C (p.Ser700Pro)

Gene: SON (SON DNA and RNA binding protein; plus strand). Cytogenetic location: 21q22.11.
Variant type: single nucleotide variant.
Coding change: c.2098T>C on transcript NM_138927.4 (MANE Select); coding-DNA position 2098, T replaced by C.
Protein change: p.Ser700Pro; replaces serine 700 with proline.
Molecular consequence: missense variant. On other transcripts: non-coding transcript variant (1), intron variant (1).
Genome position (GRCh38, 1-based): chr21:33,551,329, T>C. VCF-style: chr21-33551329-T-C. GRCh37 (hg19) VCF-style: chr21-34923635-T-C.
Other names: c.2098T>C, p.Ser700Pro (NM_001291411.2, NM_001412133.1, NM_032195.3 and 2 more transcripts); c.244+4950T>C (NM_001291412.3); c.2098T>C (NM_138927.2); short protein forms S700P.
Identifiers: ClinVar variation 2421204 (VCV002421204.7), dbSNP rs2085778381, ClinGen allele CA410157002.

ClinVar aggregate classification (germline): Conflicting classifications of pathogenicity. Review status: criteria provided, conflicting classifications (1 of 4 stars). 2 submissions from 2 submitters: Uncertain significance (1); Likely benign (1). Last evaluated 2025-07-27.

Conditions:
SON-related disorder. Also called: SON-related condition.

Allele frequency attached by ClinVar (database versions not stated): gnomAD exomes 0.00001.

Submissions (2):

Labcorp Genetics (formerly Invitae), Labcorp
Classification: Likely benign. Last evaluated: 2025-07-27. Review status: criteria provided, single submitter. Criteria: Invitae Variant Classification Sherloc (09022015). Collection method: clinical testing. Allele origin: germline.

PreventionGenetics, part of Exact Sciences
Classification: Uncertain significance for SON-related condition. Last evaluated: 2023-02-28. Review status: criteria provided, single submitter. Criteria: ACMG Guidelines, 2015. Collection method: clinical testing. Allele origin: germline.
Comment: The SON c.2098T>C variant is predicted to result in the amino acid substitution p.Ser700Pro. To our knowledge, this variant has not been reported in the literature or in a large population database, indicating this variant is rare. At this time, the clinical significance of this variant is uncertain due to the absence of conclusive functional and genetic evidence.